The following is an entry in ClinVar:

ClinVar aggregate classification (germline): Uncertain significance. Review status: criteria provided, multiple submitters, no conflicts (2 of 4 stars). 2 submissions from 2 submitters: Uncertain significance (2). Last evaluated 2024-10-17.

Allele frequency attached by ClinVar (database versions not stated): gnomAD exomes below 0.00001; gnomAD 0.00001; TOPMed 0.00002.
gnomAD v4.1: 6 of 1,613,840 alleles (0.00037%); highest among the groups gnomAD compares: African/African-American, 0.0067%; no homozygotes.

Submissions (2):

Ambry Genetics
Classification: Uncertain significance. Last evaluated: 2024-10-17. Review status: criteria provided, single submitter. Criteria: Ambry Variant Classification Scheme 2023. Collection method: clinical testing. Allele origin: germline.
Comment: The p.S371C variant (also known as c.1112C>G), located in coding exon 8 of the ATRIP gene, results from a C to G substitution at nucleotide position 1112. The serine at codon 371 is replaced by cysteine, an amino acid with dissimilar properties. This amino acid position is conserved. In addition, this alteration is predicted to be tolerated by in silico analysis. Based on the available evidence, the clinical significance of this variant remains unclear.

Labcorp Genetics (formerly Invitae), Labcorp
Classification: Uncertain significance. Last evaluated: 2023-07-03. Review status: criteria provided, single submitter. Criteria: Invitae Variant Classification Sherloc (09022015). Collection method: clinical testing. Allele origin: germline.
Comment: In summary, the available evidence is currently insufficient to determine the role of this variant in disease. Therefore, it has been classified as a Variant of Uncertain Significance. Algorithms developed to predict the effect of sequence changes on RNA splicing suggest that this variant may disrupt the consensus splice site. An algorithm developed to predict the effect of missense changes on protein structure and function (PolyPhen-2) suggests that this variant is likely to be disruptive. This variant has not been reported in the literature in individuals affected with ATRIP-related conditions. This variant is present in population databases (no rsID available, gnomAD 0.007%). This sequence change replaces serine, which is neutral and polar, with cysteine, which is neutral and slightly polar, at codon 371 of the ATRIP protein (p.Ser371Cys).

NM_130384.3(ATRIP):c.1112C>G (p.Ser371Cys)

Genes: ATRIP (ATR interacting protein; plus strand), ATRIP-TREX1 (ATRIP-TREX1 readthrough; plus strand). Cytogenetic location: 3p21.31.
Variant type: single nucleotide variant.
Coding change: c.1112C>G on transcript NM_130384.3 (MANE Select); coding-DNA position 1112, C replaced by G.
Protein change: p.Ser371Cys; replaces serine 371 with cysteine.
Molecular consequence: missense variant. On other transcripts: non-coding transcript variant (1).
Genome position (GRCh38, 1-based): chr3:48,460,166, C>G. VCF-style: chr3-48460166-C-G. GRCh37 (hg19) VCF-style: chr3-48501565-C-G.
Other names: c.731C>G, p.Ser244Cys (NM_001271022.2); c.833C>G, p.Ser278Cys (NM_001271023.2); c.1112C>G, p.Ser371Cys (NM_032166.4); c.1112C>G (NM_130384.1); short protein forms S244C, S371C, S278C.
Identifiers: ClinVar variation 2978982 (VCV002978982.4), dbSNP rs925406672, ClinGen allele CA73973333.
Genomic context (GRCh38, chr3:48,460,166, plus strand): 5'-CCAGTACCTTGGCTGGAATGTCAGGCCTCAGGACCACAGGTTCTTATGATGGGTCATTTT[C>G]CCTCTCAGCCCTGAGAGAAGCACAGAACCTGGCATTCACTGGACTGAATCTGGTTGCCCG-3'
Protein context (NP_569055.1, residues 361-381): RTTGSYDGSF[Ser371Cys]LSALREAQNL